The following is an entry in ClinVar:

NM_001673.5(ASNS):c.30T>G (p.Ser10Arg)

Genes: ASNS (asparagine synthetase (glutamine-hydrolyzing); minus strand), CZ1P-ASNS (CZ1P-ASNS readthrough; minus strand). Cytogenetic location: 7q21.3.
Variant type: single nucleotide variant.
Coding change: c.30T>G on transcript NM_001673.5 (MANE Select); coding-DNA position 30, T replaced by G.
Protein change: p.Ser10Arg; replaces serine 10 with arginine.
Molecular consequence: missense variant. On other transcripts: non-coding transcript variant (1), intron variant (3).
Genome position (GRCh38, 1-based): chr7:97,869,127, A>C on the plus strand (T>G on the coding strand, the complement: ASNS is on the minus strand). VCF-style: chr7-97869127-A-C. GRCh37 (hg19) VCF-style: chr7-97498439-A-C.
Other names: c.30T>G, p.Ser10Arg (NM_001352496.2, NM_133436.3, NM_183356.4); c.-1+3224T>G (NM_001178076.2); c.-12-22T>G (NM_001178075.2); c.-1+2914T>G (NM_001178077.1); short protein forms S10R.
Identifiers: ClinVar variation 5020401 (VCV005020401.1).
Genomic context (GRCh38, chr7:97,869,127, plus strand): 5'-ATCTGGACCTCTGTGTGCAATCTTCATAGCACTCAGACACTGAACAGAAAGGCAATCATC[A>C]CTGCCAAACAGCGCCCAAATGCCACACATGGTGCAATGAAGCTATAAGCTTTCTATGGAG-3'
Protein context (NP_001664.3, residues 1-20): MCGIWALFG[Ser10Arg]DDCLSVQCLS

ClinVar aggregate classification (germline): Uncertain significance (1 of 4 stars; one submission).

Submission:

Dasa
Classification: Uncertain significance. Last evaluated: 2026-06-11. Review status: criteria provided, single submitter. Criteria: DASA Assertion Criteria. Collection method: clinical testing. Allele origin: germline.
Comment: NM_001673.5(ASNS):c.30T>G (p.Ser10Arg) is a missense variant that results in the substitution of serine with arginine. This variant is absent from population databases. The currently available literature and clinical evidence are not sufficient to establish a definitive association between this variant and the reported condition. Therefore, this variant is classified as a variant of uncertain significance.